The following is an entry in ClinVar:

ClinVar aggregate classification (germline): Uncertain significance (1 of 4 stars; one submission).

Allele frequency attached by ClinVar (database versions not stated): ExAC 0.00001; gnomAD 0.00002; TOPMed 0.00004.
gnomAD v4.1: 7 of 1,600,418 alleles (0.00044%); highest among the groups gnomAD compares: African/African-American, 0.008%; no homozygotes.

Submission:

Labcorp Genetics (formerly Invitae), Labcorp
Classification: Uncertain significance. Last evaluated: 2022-05-25. Review status: criteria provided, single submitter. Criteria: Invitae Variant Classification Sherloc (09022015). Collection method: clinical testing. Allele origin: germline.
Comment: In summary, the available evidence is currently insufficient to determine the role of this variant in disease. Therefore, it has been classified as a Variant of Uncertain Significance. Algorithms developed to predict the effect of missense changes on protein structure and function are either unavailable or do not agree on the potential impact of this missense change (SIFT: "Tolerated"; PolyPhen-2: "Possibly Damaging"; Align-GVGD: "Class C0"). This variant has not been reported in the literature in individuals affected with ORC4-related conditions. This variant is present in population databases (rs763748239, gnomAD 0.007%). This sequence change replaces cysteine, which is neutral and slightly polar, with glycine, which is neutral and non-polar, at codon 327 of the ORC4 protein (p.Cys327Gly).

NM_181741.4(ORC4):c.979T>G (p.Cys327Gly)

Gene: ORC4 (origin recognition complex subunit 4; minus strand). Cytogenetic location: 2q23.1.
Variant type: single nucleotide variant.
Coding change: c.979T>G on transcript NM_181741.4 (MANE Select); coding-DNA position 979, T replaced by G.
Protein change: p.Cys327Gly; replaces cysteine 327 with glycine.
Molecular consequence: missense variant.
Genome position (GRCh38, 1-based): chr2:147,938,373, A>C on the plus strand (T>G on the coding strand, the complement: ORC4 is on the minus strand). VCF-style: chr2-147938373-A-C. GRCh37 (hg19) VCF-style: chr2-148695942-A-C.
Other names: c.979T>G, p.Cys327Gly (NM_001190879.3, NM_001374270.1, NM_002552.5 and 1 more transcripts); c.727T>G, p.Cys243Gly (NM_001190881.3, NM_001374272.1); c.757T>G, p.Cys253Gly (NM_001190882.3); short protein forms C253G, C243G, C327G.
Identifiers: ClinVar variation 2188990 (VCV002188990.4), dbSNP rs763748239, ClinGen allele CA1899421.
Genomic context (GRCh38, chr2:147,938,373, plus strand): 5'-GAAAATTAAATGGCTCTTCCTCATAGATGTCATTTAAATGTTTCATTGCTATTATAAGAC[A>C]GATTTCCAAGACTGATAGACCTACAGTAAAAGGGAAAAAAAACTATCAGTTTAATGACAT-3'
Protein context (NP_859525.1, residues 317-337): IVHGLSVLEI[Cys327Gly]LIIAMKHLND